The following is an entry in ClinVar:

ClinVar aggregate classification (germline): Uncertain significance (1 of 4 stars; one submission).

Conditions:
Hyperkalemic periodic paralysis. Also called: Familial hyperkalemic periodic paralysis; Gamstorp disease. Identifiers: Orphanet 682, MedGen C0238357, MONDO:0008224, OMIM 170500, HP:0007215.

Allele frequency attached by ClinVar (database versions not stated): gnomAD exomes below 0.00001; TOPMed below 0.00001; ExAC 0.00001.
gnomAD v4.1: 4 of 1,613,954 alleles (0.00025%); highest among the groups gnomAD compares: Non-Finnish European, 0.00034%; no homozygotes.

Submission:

Labcorp Genetics (formerly Invitae), Labcorp
Classification: Uncertain significance for Hyperkalemic periodic paralysis. Last evaluated: 2021-12-20. Review status: criteria provided, single submitter. Criteria: Invitae Variant Classification Sherloc (09022015). Collection method: clinical testing. Allele origin: germline.
Comment: In summary, the available evidence is currently insufficient to determine the role of this variant in disease. Therefore, it has been classified as a Variant of Uncertain Significance. Algorithms developed to predict the effect of missense changes on protein structure and function output the following: SIFT: "Deleterious"; PolyPhen-2: "Benign"; Align-GVGD: "Class C0". The serine amino acid residue is found in multiple mammalian species, which suggests that this missense change does not adversely affect protein function. This variant has not been reported in the literature in individuals affected with SCN4A-related conditions. This variant is present in population databases (rs753582543, gnomAD 0.002%). This sequence change replaces asparagine, which is neutral and polar, with serine, which is neutral and polar, at codon 303 of the SCN4A protein (p.Asn303Ser).

NM_000334.4(SCN4A):c.908A>G (p.Asn303Ser)

Gene: SCN4A (sodium voltage-gated channel alpha subunit 4; minus strand). Cytogenetic location: 17q23.3.
Variant type: single nucleotide variant.
Coding change: c.908A>G on transcript NM_000334.4 (MANE Select); coding-DNA position 908, A replaced by G.
Protein change: p.Asn303Ser; replaces asparagine 303 with serine.
Molecular consequence: missense variant.
Genome position (GRCh38, 1-based): chr17:63,968,151, T>C on the plus strand (A>G on the coding strand, the complement: SCN4A is on the minus strand). VCF-style: chr17-63968151-T-C. GRCh37 (hg19) VCF-style: chr17-62045511-T-C.
Other names: short protein forms N303S.
Identifiers: ClinVar variation 2146095 (VCV002146095.4), dbSNP rs753582543, ClinGen allele CA8710006.